The following is an entry in ClinVar:

NM_152617.4(RNF168):c.919G>A (p.Glu307Lys)

Gene: RNF168 (ring finger protein 168; minus strand). Cytogenetic location: 3q29.
Variant type: single nucleotide variant.
Coding change: c.919G>A on transcript NM_152617.4 (MANE Select); coding-DNA position 919, G replaced by A.
Protein change: p.Glu307Lys; replaces glutamic acid 307 with lysine.
Molecular consequence: missense variant.
Genome position (GRCh38, 1-based): chr3:196,472,616, C>T on the plus strand (G>A on the coding strand, the complement: RNF168 is on the minus strand). VCF-style: chr3-196472616-C-T. GRCh37 (hg19) VCF-style: chr3-196199487-C-T.
Other names: short protein forms E307K.
Identifiers: ClinVar variation 1482561 (VCV001482561.4), dbSNP rs757673230, ClinGen allele CA2780770.

ClinVar aggregate classification (germline): Uncertain significance. Review status: criteria provided, multiple submitters, no conflicts (2 of 4 stars). 2 submissions from 2 submitters: Uncertain significance (2). Last evaluated 2025-04-11.

Conditions:
RIDDLE syndrome. Identifiers: Orphanet 420741, MedGen C2677792, MONDO:0012764, OMIM 611943.

Allele frequency attached by ClinVar (database versions not stated): ExAC 0.00001; gnomAD 0.00002; gnomAD exomes 0.00002 and 0.00003; TOPMed 0.00003.
gnomAD v4.1: 43 of 1,613,874 alleles (0.0027%); highest among the groups gnomAD compares: Non-Finnish European, 0.0032%; no homozygotes.

Submissions (2):

ARUP Laboratories, Molecular Genetics and Genomics, ARUP Laboratories
Classification: Uncertain significance for RIDDLE syndrome. Last evaluated: 2025-04-11. Review status: criteria provided, single submitter. Criteria: ARUP Molecular Germline Variant Investigation Process 2024. Collection method: clinical testing. Allele origin: germline.
Comment: The RNF168 c.919G>A; p.Glu307Lys variant (rs757673230), to our knowledge, is not reported in the medical literature but is reported in ClinVar (Variation ID: 1482561). This variant is found in the general population with an overall allele frequency of 0.002% (6/251,160 alleles) in the Genome Aggregation Database (v2.1.1). Computational analyses predict that this variant is neutral (REVEL: 0.061). Due to limited information, the clinical significance of this variant is uncertain at this time.

Labcorp Genetics (formerly Invitae), Labcorp
Classification: Uncertain significance. Last evaluated: 2022-10-25. Review status: criteria provided, single submitter. Criteria: Invitae Variant Classification Sherloc (09022015). Collection method: clinical testing. Allele origin: germline.
Comment: This sequence change replaces glutamic acid, which is acidic and polar, with lysine, which is basic and polar, at codon 307 of the RNF168 protein (p.Glu307Lys). This variant is present in population databases (rs757673230, gnomAD 0.007%). This variant has not been reported in the literature in individuals affected with RNF168-related conditions. ClinVar contains an entry for this variant (Variation ID: 1482561). Algorithms developed to predict the effect of missense changes on protein structure and function (SIFT, PolyPhen-2, Align-GVGD) all suggest that this variant is likely to be tolerated. In summary, the available evidence is currently insufficient to determine the role of this variant in disease. Therefore, it has been classified as a Variant of Uncertain Significance.